The following is an entry in ClinVar:

NM_003545.4(H4C5):c.211G>A (p.Val71Met)

Gene: H4C5 (H4 clustered histone 5; plus strand). Cytogenetic location: 6p22.2.
Variant type: single nucleotide variant.
Coding change: c.211G>A on transcript NM_003545.4 (MANE Select); coding-DNA position 211, G replaced by A.
Protein change: p.Val71Met; replaces valine 71 with methionine.
Molecular consequence: missense variant.
Genome position (GRCh38, 1-based): chr6:26,204,855, G>A. VCF-style: chr6-26204855-G-A. GRCh37 (hg19) VCF-style: chr6-26205083-G-A.
Other names: short protein forms V71M.
Identifiers: ClinVar variation 5003197 (VCV005003197.1).
Genomic context (GRCh38, chr6:26,204,855, plus strand): 5'-ATCTACGAGGAGACTCGCGGGGTTCTGAAGGTGTTTCTGGAAAACGTGATTCGTGATGCT[G>A]TGACTTACACGGAGCACGCCAAACGCAAGACAGTGACAGCGATGGATGTGGTCTACGCGC-3'
Protein context (NP_003536.1, residues 61-81): VFLENVIRDA[Val71Met]TYTEHAKRKT

ClinVar aggregate classification (germline): Uncertain significance (1 of 4 stars; one submission).

Conditions:
Tessadori-Van Haaften neurodevelopmental syndrome 3 (TEBIVANED3). Identifiers: MedGen C5774310, MONDO:0030993, OMIM 619950.

Submission:

OLLIN Analises Genomicas, OLLIN
Classification: Uncertain significance for Tessadori-Van Haaften neurodevelopmental syndrome 3. Last evaluated: 2026-08-06. Review status: criteria provided, single submitter. Criteria: ACMG Guidelines 2015 PMID 25741868. Collection method: clinical testing. Allele origin: germline. Inheritance: Autosomal dominant inheritance.
Comment: This missense variant, located in exon 1 (of 1), is absent from gnomAD and ClinVar and has not been identified in the literature. In silico analysis is inconclusive regarding the impact of this variant. This gene is constrained for missense variation. According to the currently available evidence, this variant has been classified as uncertain significance (PM2_P, PP2).